The following is an entry in ClinVar:

NM_001261826.3(AP3D1):c.527A>G (p.Lys176Arg)

Gene: AP3D1 (adaptor related protein complex 3 subunit delta 1; minus strand). Cytogenetic location: 19p13.3.
Variant type: single nucleotide variant.
Coding change: c.527A>G on transcript NM_001261826.3 (MANE Select); coding-DNA position 527, A replaced by G.
Protein change: p.Lys176Arg; replaces lysine 176 with arginine.
Molecular consequence: missense variant.
Genome position (GRCh38, 1-based): chr19:2,130,473, T>C on the plus strand (A>G on the coding strand, the complement: AP3D1 is on the minus strand). VCF-style: chr19-2130473-T-C. GRCh37 (hg19) VCF-style: chr19-2130472-T-C.
Other names: c.527A>G, p.Lys176Arg (NM_001374799.1, NM_003938.8); short protein forms K176R.
Identifiers: ClinVar variation 4772239 (VCV004772239.1).

ClinVar aggregate classification (germline): Uncertain significance (1 of 4 stars; one submission).

gnomAD v4.1: 2 of 1,614,094 alleles (0.00012%); highest among the groups gnomAD compares: Non-Finnish European, 0.00017%; no homozygotes.

Submission:

Labcorp Genetics (formerly Invitae), Labcorp
Classification: Uncertain significance. Last evaluated: 2025-06-02. Review status: criteria provided, single submitter. Criteria: Invitae Variant Classification Sherloc (09022015). Collection method: clinical testing. Allele origin: germline.
Comment: This sequence change replaces lysine, which is basic and polar, with arginine, which is basic and polar, at codon 176 of the AP3D1 protein (p.Lys176Arg). This variant is not present in population databases (gnomAD no frequency). This variant has not been reported in the literature in individuals affected with AP3D1-related conditions. An algorithm developed to predict the effect of missense changes on protein structure and function (PolyPhen-2) suggests that this variant is likely to be tolerated. In summary, the available evidence is currently insufficient to determine the role of this variant in disease. Therefore, it has been classified as a Variant of Uncertain Significance.